The following is an entry in ClinVar:

ClinVar aggregate classification (germline): Uncertain significance (1 of 4 stars; one submission).

Conditions:
Autosomal dominant nonsyndromic hearing loss 1. Also called: KONIGSMARK SYNDROME; DEAFNESS, AUTOSOMAL DOMINANT 1, WITH OR WITHOUT THROMBOCYTOPENIA. Identifiers: Orphanet 90635, MedGen C1852282, MONDO:0007424, OMIM 124900.
Progressive microcephaly-seizures-cortical blindness-developmental delay syndrome. Also called: Seizures, cortical blindness, and microcephaly syndrome. Identifiers: Orphanet 477814, MedGen C5567650, MONDO:0014714, OMIM 616632.

Submission:

Labcorp Genetics (formerly Invitae), Labcorp
Classification: Uncertain significance for Progressive microcephaly-seizures-cortical blindness-developmental delay syndrome; Autosomal dominant nonsyndromic hearing loss 1. Last evaluated: 2023-11-04. Review status: criteria provided, single submitter. Criteria: Invitae Variant Classification Sherloc (09022015). Collection method: clinical testing. Allele origin: germline.
Comment: This sequence change replaces leucine, which is neutral and non-polar, with proline, which is neutral and non-polar, at codon 161 of the DIAPH1 protein (p.Leu161Pro). This variant is not present in population databases (gnomAD no frequency). This variant has not been reported in the literature in individuals affected with DIAPH1-related conditions. Experimental studies and prediction algorithms are not available or were not evaluated, and the functional significance of this variant is currently unknown. In summary, the available evidence is currently insufficient to determine the role of this variant in disease. Therefore, it has been classified as a Variant of Uncertain Significance.

NM_005219.5(DIAPH1):c.482T>C (p.Leu161Pro)

Gene: DIAPH1 (diaphanous related formin 1; minus strand). Cytogenetic location: 5q31.3.
Variant type: single nucleotide variant.
Coding change: c.482T>C on transcript NM_005219.5 (MANE Select); coding-DNA position 482, T replaced by C.
Protein change: p.Leu161Pro; replaces leucine 161 with proline.
Molecular consequence: missense variant.
Genome position (GRCh38, 1-based): chr5:141,583,536, A>G on the plus strand (T>C on the coding strand, the complement: DIAPH1 is on the minus strand). VCF-style: chr5-141583536-A-G. GRCh37 (hg19) VCF-style: chr5-140963103-A-G.
Other names: c.455T>C, p.Leu152Pro (NM_001079812.3); c.482T>C, p.Leu161Pro (NM_001314007.2); short protein forms L161P, L152P.
Identifiers: ClinVar variation 2952240 (VCV002952240.3), dbSNP rs2513772130, ClinGen allele CA361541828.
Genomic context (GRCh38, chr5:141,583,536, plus strand): 5'-AATCCTCACCTGACAGGGTTGTTGTTGAGAGACACACGAAGGGACTCCAGGCAGCTGAGC[A>G]GAGGCATATCCCGCAAGCCTGACCTCAACTCCTGAATATACATCATGGCAGACTTAGAGC-3'
Protein context (NP_005210.3, residues 151-171): ELRSGLRDMP[Leu161Pro]LSCLESLRVS